The following is an entry in ClinVar:

NM_000138.5(FBN1):c.3083A>T (p.Asp1028Val)

Gene: FBN1 (fibrillin 1; minus strand). Cytogenetic location: 15q21.1.
Variant type: single nucleotide variant.
Coding change: c.3083A>T on transcript NM_000138.5 (MANE Select); coding-DNA position 3083, A replaced by T.
Protein change: p.Asp1028Val; replaces aspartic acid 1028 with valine.
Molecular consequence: missense variant.
Genome position (GRCh38, 1-based): chr15:48,488,493, T>A on the plus strand (A>T on the coding strand, the complement: FBN1 is on the minus strand). VCF-style: chr15-48488493-T-A. GRCh37 (hg19) VCF-style: chr15-48780690-T-A.
Other names: c.3083A>T (NM_000138.4); short protein forms D1028V.
Identifiers: ClinVar variation 1493355 (VCV001493355.7), dbSNP rs1131691317, ClinGen allele CA392328326.

ClinVar aggregate classification (germline): Pathogenic. Review status: criteria provided, multiple submitters, no conflicts (2 of 4 stars). 2 submissions from 2 submitters: Pathogenic (2). Last evaluated 2026-02-08.

Conditions:
Marfan syndrome (MFS). Also called: MARFAN SYNDROME, TYPE I; Marfan syndrome type 1; Marfan's syndrome; Marfan syndrome, classic; FBN1-Related Marfan Syndrome. Identifiers: Orphanet 284963, Orphanet 558, MedGen C0024796, MONDO:0007947, OMIM 154700.
Familial thoracic aortic aneurysm and aortic dissection (TAAD). Also called: Thoracic aortic aneurysms and dissections. Identifiers: Orphanet 91387, MedGen C4707243, MONDO:0019625.

Submissions (2):

GeneDx
Classification: Pathogenic. Last evaluated: 2026-02-08. Review status: criteria provided, single submitter. Criteria: GeneDx Variant Classification Process June 2021. Collection method: clinical testing. Allele origin: germline.
Comment: In silico analysis supports that this missense variant has a deleterious effect on protein structure/function; Not observed at significant frequency in large population cohorts (gnomAD); This variant is associated with the following publications: (PMID: 11780406, 21135753, 20591885, 22772377)

Labcorp Genetics (formerly Invitae), Labcorp
Classification: Pathogenic for Marfan syndrome; Familial thoracic aortic aneurysm and aortic dissection. Last evaluated: 2023-08-17. Review status: criteria provided, single submitter. Criteria: Invitae Variant Classification Sherloc (09022015). Collection method: clinical testing. Allele origin: germline.
Comment: This missense change has been observed in individual(s) with clinical features of Marfan syndrome and/or Marfan syndrome (PMID: 11780406; Invitae). In at least one individual the variant was observed to be de novo. ClinVar contains an entry for this variant (Variation ID: 1493355). An algorithm developed to predict the effect of missense changes on protein structure and function (PolyPhen-2) suggests that this variant is likely to be disruptive. For these reasons, this variant has been classified as Pathogenic. This variant is not present in population databases (gnomAD no frequency). This sequence change replaces aspartic acid, which is acidic and polar, with valine, which is neutral and non-polar, at codon 1028 of the FBN1 protein (p.Asp1028Val).

Literature cited by the submitters: PubMed 11780406 (cited by Labcorp Genetics (formerly Invitae), Labcorp).